The following is an entry in ClinVar:

ClinVar aggregate classification (germline): Pathogenic (1 of 4 stars; one submission).

Submission:

ISCA Site 6
Classification: Pathogenic. Last evaluated: 2011-08-12. Review status: criteria provided, single submitter. Criteria: Kaminsky et al. (Genet Med. 2011). Collection method: clinical testing. Allele origin: unknown, paternal. Affected: yes. Observed: 3 variant alleles. Clinical features observed: Global developmental delay (HP:0001263), Abnormality of cardiac morphology (HP:0001627), Developmental delay AND/OR other significant developmental or morphological phenotypes, Abnormal facial shape (HP:0001999).
Comment: Copy number variation identified through the course of routine clinical cytogenomic testing in postnatal populations. Clinical assertions have been curated as described in Kaminsky et al. 2011.

GRCh38/hg38 17p12(chr17:14186983-15578926)x3

Genes: CDRT15 (CMT1A duplicated region transcript 15; minus strand), CDRT3 (CMT1A duplicated region transcript 3; minus strand), CDRT4 (CMT1A duplicated region transcript 4; minus strand), CDRT7 (CMT1A duplicated region transcript 7; plus strand), CDRT8 (CMT1A duplicated region transcript 8; minus strand) and 24 more. Cytogenetic location: 17p12.
Variant type: copy number gain.
Change: copy number 3 (three copies instead of two) of chr17:14,186,983-15,578,926 (1.39 Mb, GRCh38 coordinates, 1-based), cytogenetic band 17p12.
Identifiers: ClinVar variation 58102 (VCV000058102.3).